The following is an entry in ClinVar:

ClinVar aggregate classification (germline): Benign (1 of 4 stars; one submission).

Allele frequency attached by ClinVar (database versions not stated): gnomAD 0.03110 and 0.03340; 1000 Genomes Project 0.03554; TOPMed 0.03693; 1000 Genomes Project 30x 0.03779.

Submission:

GeneDx
Classification: Benign. Last evaluated: 2018-06-14. Review status: criteria provided, single submitter. Criteria: GeneDx Variant Classification (06012015). Collection method: clinical testing. Allele origin: germline. Affected: yes.
Comment: This variant is considered likely benign or benign based on one or more of the following criteria: it is a conservative change, it occurs at a poorly conserved position in the protein, it is predicted to be benign by multiple in silico algorithms, and/or has population frequency not consistent with disease.

NM_004092.4(ECHS1):c.515-279C>T

Gene: ECHS1 (enoyl-CoA hydratase, short chain 1; minus strand). Cytogenetic location: 10q26.3.
Variant type: single nucleotide variant.
Coding change: c.515-279C>T on transcript NM_004092.4 (MANE Select); 279 bases into the intron before coding-DNA position 515, C replaced by T.
Molecular consequence: intron variant.
Genome position (GRCh38, 1-based): chr10:133,367,272, G>A on the plus strand (C>T on the coding strand, the complement: ECHS1 is on the minus strand). VCF-style: chr10-133367272-G-A. GRCh37 (hg19) VCF-style: chr10-135180776-G-A.
Identifiers: ClinVar variation 673127 (VCV000673127.1), dbSNP rs74164165, ClinGen allele CA216816686.